The following is an entry in ClinVar:

ClinVar aggregate classification (germline): Uncertain significance. Review status: criteria provided, multiple submitters, no conflicts (2 of 4 stars). 2 submissions from 2 submitters: Uncertain significance (2). Last evaluated 2023-08-03.

Conditions:
Neurodevelopmental disorder with or without hyperkinetic movements and seizures, autosomal dominant. Also called: Intellectual disability, autosomal dominant 8. Identifiers: MedGen C3280282, MONDO:0013655, OMIM 614254.

Allele frequency attached by ClinVar (database versions not stated): gnomAD exomes below 0.00001; TOPMed below 0.00001.
gnomAD v4.1: 1 of 1,612,628 alleles (0.000062%); highest among the groups gnomAD compares: African/African-American, 0.0013%; no homozygotes.

Submissions (2):

Labcorp Genetics (formerly Invitae), Labcorp
Classification: Uncertain significance for Neurodevelopmental disorder with or without hyperkinetic movements and seizures, autosomal dominant. Last evaluated: 2023-08-03. Review status: criteria provided, single submitter. Criteria: Invitae Variant Classification Sherloc (09022015). Collection method: clinical testing. Allele origin: germline.
Comment: This sequence change replaces phenylalanine, which is neutral and non-polar, with serine, which is neutral and polar, at codon 424 of the GRIN1 protein (p.Phe424Ser). This variant is present in population databases (no rsID available, gnomAD 0.007%). This variant has not been reported in the literature in individuals affected with GRIN1-related conditions. ClinVar contains an entry for this variant (Variation ID: 1306137). Algorithms developed to predict the effect of missense changes on protein structure and function output the following: SIFT: "Not Available"; PolyPhen-2: "Benign"; Align-GVGD: "Not Available". The serine amino acid residue is found in multiple mammalian species, which suggests that this missense change does not adversely affect protein function. In summary, the available evidence is currently insufficient to determine the role of this variant in disease. Therefore, it has been classified as a Variant of Uncertain Significance.

GeneDx
Classification: Uncertain significance. Last evaluated: 2022-04-19. Review status: criteria provided, single submitter. Criteria: GeneDx Variant Classification Process June 2021. Collection method: clinical testing. Allele origin: germline. Affected: yes.
Comment: Has not been previously published as pathogenic or benign to our knowledge; Not observed at significant frequency in large population cohorts (gnomAD); In silico analysis, which includes protein predictors and evolutionary conservation, supports a deleterious effect

NM_007327.4(GRIN1):c.1271T>C (p.Phe424Ser)

Gene: GRIN1 (glutamate ionotropic receptor NMDA type subunit 1; plus strand). Cytogenetic location: 9q34.3.
Variant type: single nucleotide variant.
Coding change: c.1271T>C on transcript NM_007327.4 (MANE Select); coding-DNA position 1271, T replaced by C.
Protein change: p.Phe424Ser; replaces phenylalanine 424 with serine.
Molecular consequence: missense variant.
Genome position (GRCh38, 1-based): chr9:137,161,129, T>C. VCF-style: chr9-137161129-T-C. GRCh37 (hg19) VCF-style: chr9-140055581-T-C.
Other names: c.1271T>C, p.Phe424Ser (NM_000832.7, NM_021569.4); c.1334T>C, p.Phe445Ser (NM_001185090.2, NM_001185091.2); short protein forms F424S, F445S.
Identifiers: ClinVar variation 1306137 (VCV001306137.6), dbSNP rs1236518931, ClinGen allele CA375715993.